The following is an entry in ClinVar:

ClinVar aggregate classification (germline): Pathogenic (1 of 4 stars; one submission).

Conditions:
Autosomal recessive polycystic kidney disease (ARPKD). Also called: AR polycystic kidney disease. Identifiers: Orphanet 731, Orphanet 8378, MedGen C0085548, MeSH D017044, MONDO:0009889.

Submission:

Labcorp Genetics (formerly Invitae), Labcorp
Classification: Pathogenic for Autosomal recessive polycystic kidney disease. Last evaluated: 2021-07-21. Review status: criteria provided, single submitter. Criteria: Invitae Variant Classification Sherloc (09022015). Collection method: clinical testing. Allele origin: germline.
Comment: This sequence change creates a premature translational stop signal (p.Leu2911Serfs*3) in the PKHD1 gene. It is expected to result in an absent or disrupted protein product. Loss-of-function variants in PKHD1 are known to be pathogenic (PMID: 19940839). This variant is not present in population databases (ExAC no frequency). This variant has not been reported in the literature in individuals affected with PKHD1-related conditions. For these reasons, this variant has been classified as Pathogenic.

Literature cited by the submitters: PubMed 19940839.

NM_138694.4(PKHD1):c.8731del (p.Leu2911fs)

Gene: PKHD1 (PKHD1 ciliary IPT domain containing fibrocystin/polyductin; minus strand). Cytogenetic location: 6p12.3.
Variant type: Deletion.
Coding change: c.8731del on transcript NM_138694.4 (MANE Select); coding-DNA position 8731, one base deleted (C; older notation c.8731delC).
Protein change: p.Leu2911fs; shifts the reading frame from leucine 2911.
Molecular consequence: frameshift variant.
Genome position (GRCh38, 1-based): chr6:51,754,850, G deleted on the plus strand (C on the coding strand, the reverse complement: PKHD1 is on the minus strand); the first of 2 consecutive G bases (chr6:51,754,850-51,754,851); deleting either gives the same sequence. VCF-style (leftmost placement, unchanged base first): chr6-51754849-AG-A. GRCh37 (hg19) VCF-style: chr6-51619647-AG-A.
Other names: c.8731del, p.Leu2911fs (NM_170724.3); short protein forms L2911fs.
Identifiers: ClinVar variation 1419455 (VCV001419455.6), dbSNP rs2151020773, ClinGen allele CA2573140894.